The following is an entry in ClinVar:

NM_000489.6(ATRX):c.1157C>G (p.Ala386Gly)

Gene: ATRX (ATRX chromatin remodeler; minus strand). Cytogenetic location: Xq21.1.
Variant type: single nucleotide variant.
Coding change: c.1157C>G on transcript NM_000489.6 (MANE Select); coding-DNA position 1157, C replaced by G.
Protein change: p.Ala386Gly; replaces alanine 386 with glycine.
Molecular consequence: missense variant.
Genome position (GRCh38, 1-based): chrX:77,684,099, G>C on the plus strand (C>G on the coding strand, the complement: ATRX is on the minus strand). VCF-style: chrX-77684099-G-C. GRCh37 (hg19) VCF-style: chrX-76939591-G-C.
Other names: c.1043C>G, p.Ala348Gly (NM_138270.5); short protein forms A348G, A386G.
Identifiers: ClinVar variation 2574434 (VCV002574434.1), dbSNP rs2148629226, ClinGen allele CA413719271.

ClinVar aggregate classification (germline): Uncertain significance (1 of 4 stars; one submission).

Submission:

GeneDx
Classification: Uncertain significance. Last evaluated: 2023-01-26. Review status: criteria provided, single submitter. Criteria: GeneDx Variant Classification Process June 2021. Collection method: clinical testing. Allele origin: germline. Affected: yes.
Comment: Not observed at significant frequency in large population cohorts (gnomAD); In silico analysis supports that this missense variant does not alter protein structure/function; Has not been previously published as pathogenic or benign to our knowledge